The following is an entry in ClinVar:

NM_006306.4(SMC1A):c.3283C>T (p.Gln1095Ter)

Gene: SMC1A (structural maintenance of chromosomes 1A; minus strand). Cytogenetic location: Xp11.22.
Variant type: single nucleotide variant.
Coding change: c.3283C>T on transcript NM_006306.4 (MANE Select); coding-DNA position 3283, C replaced by T.
Protein change: p.Gln1095Ter; replaces glutamine 1095 with a stop codon.
Molecular consequence: nonsense.
Genome position (GRCh38, 1-based): chrX:53,382,508, G>A on the plus strand (C>T on the coding strand, the complement: SMC1A is on the minus strand). VCF-style: chrX-53382508-G-A. GRCh37 (hg19) VCF-style: chrX-53409429-G-A.
Other names: c.3217C>T, p.Gln1073Ter (NM_001281463.1); short protein forms Q1073*, Q1095*.
Identifiers: ClinVar variation 2577978 (VCV002577978.4), dbSNP rs2520823699, ClinGen allele CA413243733.

ClinVar aggregate classification (germline): Pathogenic. Review status: criteria provided, single submitter (1 of 4 stars). 2 submissions from 2 submitters: Pathogenic (1). 1 of the submissions does not count toward it. Last evaluated 2023-08-23.

Conditions:
Congenital muscular hypertrophy-cerebral syndrome (CDLS2). Also called: SMC1A-Related Cornelia de Lange Syndrome; Cornelia de Lange syndrome 2. Identifiers: Orphanet 199, MedGen C1802395, MONDO:0010370, OMIM 300590.

Submissions (2):

Labcorp Genetics (formerly Invitae), Labcorp
Classification: Pathogenic for Congenital muscular hypertrophy-cerebral syndrome. Last evaluated: 2023-08-23. Review status: criteria provided, single submitter. Criteria: Invitae Variant Classification Sherloc (09022015). Collection method: clinical testing. Allele origin: germline.
Comment: This sequence change creates a premature translational stop signal (p.Gln1095*) in the SMC1A gene. It is expected to result in an absent or disrupted protein product. Loss-of-function variants in SMC1A are known to be pathogenic (PMID: 26386245, 27334371, 28166369, 28548707, 31334757). This variant is not present in population databases (gnomAD no frequency). This variant has not been reported in the literature in individuals affected with SMC1A-related conditions. For these reasons, this variant has been classified as Pathogenic.

Molecular Genetics laboratory, Necker Hospital
Classification: Likely pathogenic. Last evaluated: 2021-02-24. Review status: no assertion criteria provided. Collection method: clinical testing. Allele origin: unknown. Affected: yes. Not counted in ClinVar's aggregate classification.

Literature cited by the submitters: PubMed 26386245 (cited by Labcorp Genetics (formerly Invitae), Labcorp); PubMed 27334371 (cited by Labcorp Genetics (formerly Invitae), Labcorp); PubMed 28166369 (cited by Labcorp Genetics (formerly Invitae), Labcorp); PubMed 28548707 (cited by Labcorp Genetics (formerly Invitae), Labcorp); PubMed 31334757 (cited by Labcorp Genetics (formerly Invitae), Labcorp).